The following is an entry in ClinVar:

NM_001561.6(TNFRSF9):c.346+5G>A

Gene: TNFRSF9 (TNF receptor superfamily member 9; minus strand). Cytogenetic location: 1p36.23.
Variant type: single nucleotide variant.
Coding change: c.346+5G>A on transcript NM_001561.6 (MANE Select); 5 bases into the intron after coding-DNA position 346, G replaced by A.
Molecular consequence: intron variant.
Genome position (GRCh38, 1-based): chr1:7,938,188, C>T on the plus strand (G>A on the coding strand, the complement: TNFRSF9 is on the minus strand). VCF-style: chr1-7938188-C-T. GRCh37 (hg19) VCF-style: chr1-7998248-C-T.
Identifiers: ClinVar variation 2140042 (VCV002140042.1), dbSNP rs376214771, ClinGen allele CA569274.

ClinVar aggregate classification (germline): Uncertain significance (1 of 4 stars; one submission).

Allele frequency attached by ClinVar (database versions not stated): ExAC 0.00002; gnomAD exomes 0.00002.

Submission:

Labcorp Genetics (formerly Invitae), Labcorp
Classification: Uncertain significance. Last evaluated: 2022-06-15. Review status: criteria provided, single submitter. Criteria: Invitae Variant Classification Sherloc (09022015). Collection method: clinical testing. Allele origin: germline.
Comment: This sequence change falls in intron 5 of the TNFRSF9 gene. It does not directly change the encoded amino acid sequence of the TNFRSF9 protein. It affects a nucleotide within the consensus splice site. This variant is present in population databases (rs376214771, gnomAD 0.006%). This variant has not been reported in the literature in individuals affected with TNFRSF9-related conditions. Variants that disrupt the consensus splice site are a relatively common cause of aberrant splicing (PMID: 17576681, 9536098). Algorithms developed to predict the effect of sequence changes on RNA splicing suggest that this variant is not likely to affect RNA splicing. In summary, the available evidence is currently insufficient to determine the role of this variant in disease. Therefore, it has been classified as a Variant of Uncertain Significance.

Literature cited by the submitters: PubMed 17576681; PubMed 9536098.